The following is an entry in ClinVar:

ClinVar aggregate classification (germline): Conflicting classifications of pathogenicity. Review status: criteria provided, conflicting classifications (1 of 4 stars). 3 submissions from 3 submitters: Uncertain significance (1); Likely benign (1). 1 of the submissions does not count toward it. Last evaluated 2026-01-27.

Conditions:
LAMA3-related disorder. Also called: LAMA3-related condition; LAMA3-related disorders.
Inborn genetic diseases. Identifiers: MedGen C0950123, MeSH D030342.

Allele frequency attached by ClinVar (database versions not stated): ExAC 0.00029; gnomAD 0.00068 and 0.00074; ESP Exome Variant Server 0.00077; TOPMed 0.00079; 1000 Genomes Project 30x 0.00109; 1000 Genomes Project 0.00120.
gnomAD v4.1: 212 of 1,613,740 alleles (0.013%); highest among the groups gnomAD compares: African/African-American, 0.27%; 2 homozygotes.

Submissions (3):

Labcorp Genetics (formerly Invitae), Labcorp
Classification: Likely benign. Last evaluated: 2026-01-27. Review status: criteria provided, single submitter. Criteria: Invitae Variant Classification Sherloc (09022015). Collection method: clinical testing. Allele origin: germline.

Ambry Genetics
Classification: Uncertain significance for Inborn genetic diseases. Last evaluated: 2024-12-04. Review status: criteria provided, single submitter. Criteria: Ambry Variant Classification Scheme 2023. Collection method: clinical testing. Allele origin: germline.

PreventionGenetics, part of Exact Sciences
Classification: Likely benign for LAMA3-related condition. Last evaluated: 2024-04-18. Review status: no assertion criteria provided. Collection method: clinical testing. Allele origin: germline. Not counted in ClinVar's aggregate classification.
Comment: This variant is classified as likely benign based on ACMG/AMP sequence variant interpretation guidelines (Richards et al. 2015 PMID: 25741868, with internal and published modifications).

NM_198129.4(LAMA3):c.9649G>A (p.Ala3217Thr)

Gene: LAMA3 (laminin subunit alpha 3; plus strand). Cytogenetic location: 18q11.2.
Variant type: single nucleotide variant.
Coding change: c.9649G>A on transcript NM_198129.4 (MANE Select); coding-DNA position 9649, G replaced by A.
Protein change: p.Ala3217Thr; replaces alanine 3217 with threonine.
Molecular consequence: missense variant.
Genome position (GRCh38, 1-based): chr18:23,951,690, G>A. VCF-style: chr18-23951690-G-A. GRCh37 (hg19) VCF-style: chr18-21531654-G-A.
Other names: c.4822G>A (NM_000227.3); c.4822G>A, p.Ala1608Thr (NM_000227.6); c.9481G>A, p.Ala3161Thr (NM_001127717.4); c.4654G>A, p.Ala1552Thr (NM_001127718.4); short protein forms A1608T, A3161T, A3217T, A1552T.
Identifiers: ClinVar variation 724370 (VCV000724370.13), dbSNP rs141992173, ClinGen allele CA8917268.